The following is an entry in ClinVar:

NM_001374736.1(DST):c.23348G>C (p.Arg7783Thr)

Gene: DST (dystonin; minus strand). Cytogenetic location: 6p12.1.
Variant type: single nucleotide variant.
Coding change: c.23348G>C on transcript NM_001374736.1 (MANE Select); coding-DNA position 23348, G replaced by C.
Protein change: p.Arg7783Thr; replaces arginine 7783 with threonine.
Molecular consequence: missense variant.
Genome position (GRCh38, 1-based): chr6:56,459,114, C>G on the plus strand (G>C on the coding strand, the complement: DST is on the minus strand). VCF-style: chr6-56459114-C-G. GRCh37 (hg19) VCF-style: chr6-56323912-C-G.
Other names: c.16919G>C, p.Arg5640Thr (NM_001144769.5); c.16505G>C, p.Arg5502Thr (NM_001144770.2); c.23276G>C, p.Arg7759Thr (NM_001374722.1); c.22277G>C, p.Arg7426Thr (NM_001374729.1); c.16019G>C, p.Arg5340Thr (NM_001374730.1); c.23303G>C, p.Arg7768Thr (NM_001374734.1); c.16367G>C, p.Arg5456Thr (NM_001386100.1); c.15407G>C, p.Arg5136Thr (NM_015548.5); and 1 more; short protein forms R7426T, R7783T, R5462T, R5502T, R5136T, R7759T, R7768T, R5340T.
Identifiers: ClinVar variation 1778136 (VCV001778136.6), dbSNP rs777558951, ClinGen allele CA3865987.

ClinVar aggregate classification (germline): Conflicting classifications of pathogenicity. Review status: criteria provided, conflicting classifications (1 of 4 stars). 3 submissions from 3 submitters: Uncertain significance (1); Likely benign (2). Last evaluated 2026-04-30.

Conditions:
DST-related disorder. Also called: DST-related disorders; DST-related condition.
Inborn genetic diseases. Identifiers: MedGen C0950123, MeSH D030342.
Epidermolysis bullosa simplex 3, localized or generalized intermediate, with BP230 deficiency (EBS3). Also called: Epidermolysis bullosa simplex, autosomal recessive 2; Epidermolysis bullosa simplex due to BP230 deficiency. Identifiers: Orphanet 412181, MedGen C3809470, MONDO:0014180, OMIM 615425.
Hereditary sensory and autonomic neuropathy type 6. Also called: Neuropathy, hereditary sensory and autonomic, type VI; HSAN VI. Identifiers: Orphanet 314381, MedGen C3539003, MONDO:0013839, OMIM 614653.

Allele frequency attached by ClinVar (database versions not stated): TOPMed 0.00001; gnomAD 0.00009; gnomAD exomes 0.00012; ExAC 0.00029.
gnomAD v4.1: 190 of 1,613,952 alleles (0.012%); highest among the groups gnomAD compares: South Asian, 0.2%; 4 homozygotes.

Submissions (3):

PreventionGenetics, part of Exact Sciences
Classification: Likely benign for DST-related condition. Last evaluated: 2026-04-30. Review status: criteria provided, single submitter. Criteria: ACMG Guidelines, 2015. Collection method: clinical testing. Allele origin: germline.
Comment: This variant is classified as likely benign based on ACMG/AMP sequence variant interpretation guidelines (Richards et al. 2015 PMID: 25741868, with internal and published modifications).

Labcorp Genetics (formerly Invitae), Labcorp
Classification: Likely benign for Epidermolysis bullosa simplex 3, localized or generalized intermediate, with BP230 deficiency; Hereditary sensory and autonomic neuropathy type 6. Last evaluated: 2023-08-08. Review status: criteria provided, single submitter. Criteria: Invitae Variant Classification Sherloc (09022015). Collection method: clinical testing. Allele origin: germline.

Ambry Genetics
Classification: Uncertain significance for Inborn genetic diseases. Last evaluated: 2022-07-18. Review status: criteria provided, single submitter. Criteria: Ambry Variant Classification Scheme 2023. Collection method: clinical testing. Allele origin: germline.
Comment: The p.R5640T variant (also known as c.16919G>C), located in coding exon 97 of the DST gene, results from a G to C substitution at nucleotide position 16919. The arginine at codon 5640 is replaced by threonine, an amino acid with similar properties. This amino acid position is well conserved in available vertebrate species. In addition, this alteration is predicted to be tolerated by in silico analysis. Since supporting evidence is limited at this time, the clinical significance of this alteration remains unclear.